The following is an entry in ClinVar:

NM_198334.3(GANAB):c.253-5C>T

Gene: GANAB (glucosidase II alpha subunit; minus strand). Cytogenetic location: 11q12.3.
Variant type: single nucleotide variant.
Coding change: c.253-5C>T on transcript NM_198334.3 (MANE Select); 5 bases into the intron before coding-DNA position 253, C replaced by T.
Molecular consequence: intron variant.
Genome position (GRCh38, 1-based): chr11:62,639,115, G>A on the plus strand (C>T on the coding strand, the complement: GANAB is on the minus strand). VCF-style: chr11-62639115-G-A. GRCh37 (hg19) VCF-style: chr11-62406587-G-A.
Other names: p.?; c.253-5C>T (NM_198335.3, NM_198335.4); c.39-4115C>T (NM_001278193.2, NM_001278192.2); c.-39-5C>T (NM_001329223.2, NM_001278194.2, NM_001329222.2); c.-524-5C>T (NM_001329225.2, NM_001329224.2).
Identifiers: ClinVar variation 1578311 (VCV001578311.11), dbSNP rs780099701, ClinGen allele CA6051153.

ClinVar aggregate classification (germline): Likely benign. Review status: criteria provided, multiple submitters, no conflicts (2 of 4 stars). 3 submissions from 3 submitters: Likely benign (2). 1 of the submissions does not count toward it. Last evaluated 2025-12-12.

Conditions:
GANAB-related disorder. Also called: GANAB-related condition.

Allele frequency attached by ClinVar (database versions not stated): ExAC 0.00002; gnomAD exomes 0.00003 and 0.00004; gnomAD 0.00005 and 0.00006; TOPMed 0.00006.
gnomAD v4.1: 51 of 1,613,452 alleles (0.0032%); highest among the groups gnomAD compares: Admixed American, 0.0067%; no homozygotes.

Submissions (3):

Mayo Clinic Laboratories, Mayo Clinic
Classification: Likely benign. Last evaluated: 2025-12-12. Review status: criteria provided, single submitter. Criteria: ACMG Guidelines, 2015. Collection method: clinical testing. Allele origin: germline. Observed: 1 variant allele.
Comment: BP4, BP7

Labcorp Genetics (formerly Invitae), Labcorp
Classification: Likely benign. Last evaluated: 2025-12-03. Review status: criteria provided, single submitter. Criteria: Invitae Variant Classification Sherloc (09022015). Collection method: clinical testing. Allele origin: germline.

PreventionGenetics, part of Exact Sciences
Classification: Likely benign for GANAB-related condition. Last evaluated: 2022-05-20. Review status: no assertion criteria provided. Collection method: clinical testing. Allele origin: germline. Not counted in ClinVar's aggregate classification.
Comment: This variant is classified as likely benign based on ACMG/AMP sequence variant interpretation guidelines (Richards et al. 2015 PMID: 25741868, with internal and published modifications).